The following is an entry in ClinVar:

ClinVar aggregate classification (germline): Benign (1 of 4 stars; one submission).

Conditions:
Hypermethioninemia with deficiency of S-adenosylhomocysteine hydrolase. Identifiers: Orphanet 88618, MedGen C3151058, MONDO:0013404, OMIM 613752.

Allele frequency attached by ClinVar (database versions not stated): gnomAD 0.10669 and 0.11416; TOPMed 0.12093; 1000 Genomes Project 0.12720; 1000 Genomes Project 30x 0.13632.

Submission:

Illumina Laboratory Services, Illumina
Classification: Benign for Hypermethioninemia with deficiency of S-adenosylhomocysteine hydrolase. Last evaluated: 2018-01-12. Review status: criteria provided, single submitter. Criteria: ICSL Variant Classification Criteria 13 December 2019. Collection method: clinical testing. Allele origin: germline.
Comment: This variant was observed in the ICSL laboratory as part of a predisposition screen in an ostensibly healthy population. It had not been previously curated by ICSL or reported in the Human Gene Mutation Database (HGMD: prior to June 1st, 2018), and was therefore a candidate for classification through an automated scoring system. Utilizing variant allele frequency, disease prevalence and penetrance estimates, and inheritance mode, an automated score was calculated to assess if this variant is too frequent to cause the disease. Based on the score and internal cut-off values, a variant classified as benign is not then subjected to further curation. The score for this variant resulted in a classification of benign for this disease.

NM_000687.4(AHCY):c.*679A>T

Gene: AHCY (adenosylhomocysteinase; minus strand). Cytogenetic location: 20q11.22.
Variant type: single nucleotide variant.
Coding change: c.*679A>T on transcript NM_000687.4 (MANE Select); 679 bases downstream of the stop codon, A replaced by T.
Molecular consequence: 3 prime UTR variant.
Genome position (GRCh38, 1-based): chr20:34,280,355, T>A on the plus strand (A>T on the coding strand, the complement: AHCY is on the minus strand). VCF-style: chr20-34280355-T-A. GRCh37 (hg19) VCF-style: chr20-32868161-T-A.
Other names: c.*679A>T (NM_001161766.2, NM_001322084.2, NM_001322085.2 and 1 more transcripts); c.*303A>T (NM_001362750.2).
Identifiers: ClinVar variation 338264 (VCV000338264.5), dbSNP rs4239, ClinGen allele CA10649625.